The following is an entry in ClinVar:

NM_001379659.1(ZNF142):c.4351del (p.His1451fs)

Gene: ZNF142 (zinc finger protein 142; minus strand). Cytogenetic location: 2q35.
Variant type: Deletion.
Coding change: c.4351del on transcript NM_001379659.1 (MANE Select); coding-DNA position 4351, one base deleted (C; older notation c.4351delC).
Protein change: p.His1451fs; shifts the reading frame from histidine 1451.
Molecular consequence: frameshift variant.
Genome position (GRCh38, 1-based): chr2:218,642,765, G deleted on the plus strand (C on the coding strand, the reverse complement: ZNF142 is on the minus strand). VCF-style (leftmost placement, unchanged base first): chr2-218642764-TG-T. GRCh37 (hg19) VCF-style: chr2-219507487-TG-T.
Other names: c.3751delC, p.His1251Metfs (NM_001105537.5, NM_001366291.3); c.3262delC, p.His1088Metfs (NM_001366287.3, NM_001366288.3, NM_001366289.3); c.4351del, p.His1451fs (NM_001366290.3, NM_001379660.1, NM_001379661.1); c.3751del, p.His1251fs (NM_001379662.1); short protein forms H1088fs, H1251fs, H1451fs.
Identifiers: ClinVar variation 4880542 (VCV004880542.2).

ClinVar aggregate classification (germline): Likely pathogenic (1 of 4 stars; one submission).

Conditions:
Neurodevelopmental disorder with impaired speech and hyperkinetic movements. Identifiers: MedGen C5193088, MONDO:0032741, OMIM 618425.

Submission:

Dasa
Classification: Likely pathogenic for Neurodevelopmental disorder with impaired speech and hyperkinetic movements. Last evaluated: 2025-10-25. Review status: criteria provided, single submitter. Criteria: DASA Assertion Criteria. Collection method: clinical testing. Allele origin: germline.
Comment: NM_001379659.1(ZNF142):c.4351del (p.His1451Metfs*146) is a frameshift variant in ZNF142 predicted to alter the reading frame and introduce a premature termination codon and is predicted to result in an absent or altered protein product. Loss of function is an established disease mechanism for ZNF142-associated disorders. Also, this variant is absent from population databases. Based on the currently available evidence, this variant is classified as likely pathogenic.